The following is an entry in ClinVar:

ClinVar aggregate classification (germline): Likely benign. Review status: criteria provided, single submitter (1 of 4 stars). 2 submissions from 2 submitters: Likely benign (1). 1 of the submissions does not count toward it. Last evaluated 2021-08-28.

Conditions:
Neuroblastoma, susceptibility to, 3. Also called: ALK-Related Neuroblastic Tumor Susceptibility. Identifiers: Orphanet 635, MedGen C2751681, MONDO:0013083, OMIM 613014.
ALK-related disorder. Also called: ALK-related condition.

Allele frequency attached by ClinVar (database versions not stated): gnomAD exomes below 0.00001.
gnomAD v4.1: 2 of 1,614,160 alleles (0.00012%); highest among the groups gnomAD compares: South Asian, 0.0011%; no homozygotes.

Submissions (2):

Labcorp Genetics (formerly Invitae), Labcorp
Classification: Likely benign for Neuroblastoma, susceptibility to, 3. Last evaluated: 2021-08-28. Review status: criteria provided, single submitter. Criteria: Invitae Variant Classification Sherloc (09022015). Collection method: clinical testing. Allele origin: germline.

PreventionGenetics, part of Exact Sciences
Classification: Likely benign for ALK-related condition. Last evaluated: 2023-04-20. Review status: no assertion criteria provided. Collection method: clinical testing. Allele origin: germline. Not counted in ClinVar's aggregate classification.
Comment: This variant is classified as likely benign based on ACMG/AMP sequence variant interpretation guidelines (Richards et al. 2015 PMID: 25741868, with internal and published modifications).

NM_004304.5(ALK):c.861C>T (p.Ser287=)

Gene: ALK (ALK receptor tyrosine kinase; minus strand). Cytogenetic location: 2p23.2.
Variant type: single nucleotide variant.
Coding change: c.861C>T on transcript NM_004304.5 (MANE Select); coding-DNA position 861, C replaced by T.
Protein change: p.Ser287=; no amino-acid change (serine 287 retained).
Molecular consequence: synonymous variant.
Genome position (GRCh38, 1-based): chr2:29,694,941, G>A on the plus strand (C>T on the coding strand, the complement: ALK is on the minus strand). VCF-style: chr2-29694941-G-A. GRCh37 (hg19) VCF-style: chr2-29917807-G-A.
Other names: c.861C>T (NM_004304.4).
Identifiers: ClinVar variation 1608547 (VCV001608547.10), dbSNP rs1321970113, ClinGen allele CA425520825.